The following is an entry in ClinVar:

ClinVar aggregate classification (germline): Uncertain significance. Review status: criteria provided, multiple submitters, no conflicts (2 of 4 stars). 2 submissions from 2 submitters: Uncertain significance (2). Last evaluated 2025-02-15.

Conditions:
Severe combined immunodeficiency due to DNA-PKcs deficiency. Also called: IMMUNODEFICIENCY 26 WITH NEUROLOGIC ABNORMALITIES; Immunodeficiency 26 with or without neurologic abnormalities. Identifiers: Orphanet 317425, MedGen C4014833, MONDO:0014423, OMIM 615966.

Submissions (2):

Labcorp Genetics (formerly Invitae), Labcorp
Classification: Uncertain significance for Severe combined immunodeficiency due to DNA-PKcs deficiency. Last evaluated: 2025-02-15. Review status: criteria provided, single submitter. Criteria: Invitae Variant Classification Sherloc (09022015). Collection method: clinical testing. Allele origin: germline.
Comment: This sequence change replaces lysine, which is basic and polar, with glutamine, which is neutral and polar, at codon 335 of the PRKDC protein (p.Lys335Gln). This variant is not present in population databases (gnomAD no frequency). This variant has not been reported in the literature in individuals affected with PRKDC-related conditions. ClinVar contains an entry for this variant (Variation ID: 580341). Invitae Evidence Modeling of protein sequence and biophysical properties (such as structural, functional, and spatial information, amino acid conservation, physicochemical variation, residue mobility, and thermodynamic stability) indicates that this missense variant is not expected to disrupt PRKDC protein function with a negative predictive value of 80%. In summary, the available evidence is currently insufficient to determine the role of this variant in disease. Therefore, it has been classified as a Variant of Uncertain Significance.

Ambry Genetics
Classification: Uncertain significance. Last evaluated: 2023-02-24. Review status: criteria provided, single submitter. Criteria: Ambry Variant Classification Scheme 2023. Collection method: clinical testing. Allele origin: germline.
Comment: The p.K335Q variant (also known as c.1003A>C), located in coding exon 11 of the PRKDC gene, results from an A to C substitution at nucleotide position 1003. The lysine at codon 335 is replaced by glutamine, an amino acid with similar properties. This amino acid position is conserved. In addition, this alteration is predicted to be tolerated by in silico analysis. Since supporting evidence is limited at this time, the clinical significance of this alteration remains unclear.

NM_006904.7(PRKDC):c.1003A>C (p.Lys335Gln)

Gene: PRKDC (protein kinase, DNA-activated, catalytic subunit; minus strand). Cytogenetic location: 8q11.21.
Variant type: single nucleotide variant.
Coding change: c.1003A>C on transcript NM_006904.7 (MANE Select); coding-DNA position 1003, A replaced by C.
Protein change: p.Lys335Gln; replaces lysine 335 with glutamine.
Molecular consequence: missense variant.
Genome position (GRCh38, 1-based): chr8:47,939,661, T>G on the plus strand (A>C on the coding strand, the complement: PRKDC is on the minus strand). VCF-style: chr8-47939661-T-G. GRCh37 (hg19) VCF-style: chr8-48852221-T-G.
Other names: c.1003A>C, p.Lys335Gln (NM_001081640.2); short protein forms K335Q.
Identifiers: ClinVar variation 580341 (VCV000580341.9), dbSNP rs757396169, ClinGen allele CA371166797.
Genomic context (GRCh38, chr8:47,939,661, plus strand): 5'-TCGAATCCACATTTCTGATGATTCCATAAAACTGCTCCATAAAGTACTGCAGTTTATTTT[T>G]ATGCATTTCTGCATTTTTCGCCACCATATTAGAAACCTGCAAATACATAATATTTATTTT-3'
Protein context (NP_008835.5, residues 325-345): NMVAKNAEMH[Lys335Gln]NKLQYFMEQF